The following is an entry in ClinVar:

ClinVar aggregate classification (germline): Uncertain significance (1 of 4 stars; one submission).

gnomAD v4.1: 3 of 1,614,218 alleles (0.00019%); highest among the groups gnomAD compares: Non-Finnish European, 0.00025%; no homozygotes.

Submission:

Labcorp Genetics (formerly Invitae), Labcorp
Classification: Uncertain significance. Last evaluated: 2023-11-10. Review status: criteria provided, single submitter. Criteria: Invitae Variant Classification Sherloc (09022015). Collection method: clinical testing. Allele origin: germline.
Comment: This sequence change replaces glutamic acid, which is acidic and polar, with aspartic acid, which is acidic and polar, at codon 16 of the EFTUD2 protein (p.Glu16Asp). This variant is not present in population databases (gnomAD no frequency). This variant has not been reported in the literature in individuals affected with EFTUD2-related conditions. An algorithm developed to predict the effect of missense changes on protein structure and function (PolyPhen-2) suggests that this variant is likely to be tolerated. In summary, the available evidence is currently insufficient to determine the role of this variant in disease. Therefore, it has been classified as a Variant of Uncertain Significance.

NM_004247.4(EFTUD2):c.48G>C (p.Glu16Asp)

Gene: EFTUD2 (elongation factor Tu GTP binding domain containing 2; minus strand). Cytogenetic location: 17q21.31.
Variant type: single nucleotide variant.
Coding change: c.48G>C on transcript NM_004247.4 (MANE Select); coding-DNA position 48, G replaced by C.
Protein change: p.Glu16Asp; replaces glutamic acid 16 with aspartic acid.
Molecular consequence: missense variant. On other transcripts: intron variant (1).
Genome position (GRCh38, 1-based): chr17:44,894,474, C>G on the plus strand (G>C on the coding strand, the complement: EFTUD2 is on the minus strand). VCF-style: chr17-44894474-C-G. GRCh37 (hg19) VCF-style: chr17-42971842-C-G.
Other names: c.48G>C, p.Glu16Asp (NM_001258353.2, NM_001258354.2); c.-1+4895G>C (NM_001142605.2); short protein forms E16D.
Identifiers: ClinVar variation 2694977 (VCV002694977.3), dbSNP rs746279184, ClinGen allele CA399826957.